The following is an entry in ClinVar:

ClinVar aggregate classification (germline): Pathogenic (1 of 4 stars; one submission).

Conditions:
Bardet-Biedl syndrome (BBS). Identifiers: Orphanet 110, MedGen C0752166, MONDO:0015229.

Submission:

Labcorp Genetics (formerly Invitae), Labcorp
Classification: Pathogenic for Bardet-Biedl syndrome. Last evaluated: 2023-10-10. Review status: criteria provided, single submitter. Criteria: Invitae Variant Classification Sherloc (09022015). Collection method: clinical testing. Allele origin: germline.
Comment: This sequence change creates a premature translational stop signal (p.Asp522*) in the TRIM32 gene. While this is not anticipated to result in nonsense mediated decay, it is expected to disrupt the last 132 amino acid(s) of the TRIM32 protein. This variant is not present in population databases (gnomAD no frequency). This variant has not been reported in the literature in individuals affected with TRIM32-related conditions. This variant disrupts a region of the TRIM32 protein in which other variant(s) (p.Val591Met) have been determined to be pathogenic (PMID: 30823891). This suggests that this is a clinically significant region of the protein, and that variants that disrupt it are likely to be disease-causing. For these reasons, this variant has been classified as Pathogenic.

Literature cited by the submitters: PubMed 30823891.

NM_012210.4(TRIM32):c.1563dup (p.Asp522Ter)

Genes: ASTN2 (astrotactin 2; minus strand), TRIM32 (tripartite motif containing 32; plus strand). Cytogenetic location: 9q33.1.
Variant type: Duplication.
Coding change: c.1563dup on transcript NM_012210.4 (MANE Select); coding-DNA position 1563, one base duplicated (T; older notation c.1563dupT).
Protein change: p.Asp522Ter; replaces aspartic acid 522 with a stop codon.
Molecular consequence: nonsense. On other transcripts: intron variant (3).
Genome position (GRCh38, 1-based): chr9:116,699,305, T duplicated. VCF-style (leftmost placement, unchanged base first): chr9-116699304-G-GT. GRCh37 (hg19) VCF-style: chr9-119461583-G-GT.
Other names: c.1563dup, p.Asp522Ter (NM_001099679.2, NM_001379048.1, NM_001379049.1 and 1 more transcripts); c.2653+26466dup (NM_014010.5); c.2794+26466dup (NM_001365069.1); c.2806+26466dup (NM_001365068.1); short protein forms D522*.
Identifiers: ClinVar variation 2815889 (VCV002815889.3), dbSNP rs2491068324, ClinGen allele CA2739265015.